The following is an entry in ClinVar:

ClinVar aggregate classification (germline): Uncertain significance (1 of 4 stars; one submission).

Submission:

Greenwood Genetic Center Diagnostic Laboratories, Greenwood Genetic Center
Classification: Uncertain significance. Last evaluated: 2021-11-02. Review status: criteria provided, single submitter. Criteria: ACMG Guidelines, 2015. Collection method: clinical testing. Allele origin: germline. Affected: yes.
Comment: PM2

NM_001197104.2(KMT2A):c.3634+4G>C

Gene: KMT2A (lysine methyltransferase 2A; plus strand). Cytogenetic location: 11q23.3.
Variant type: single nucleotide variant.
Coding change: c.3634+4G>C on transcript NM_001197104.2 (MANE Select); 4 bases into the intron after coding-DNA position 3634, G replaced by C.
Molecular consequence: intron variant.
Genome position (GRCh38, 1-based): chr11:118,480,242, G>C. VCF-style: chr11-118480242-G-C. GRCh37 (hg19) VCF-style: chr11-118350957-G-C.
Other names: c.3634+4G>C (NM_005933.4).
Identifiers: ClinVar variation 1334679 (VCV001334679.4), dbSNP rs367948360, ClinGen allele CA2573053433.
Genomic context (GRCh38, chr11:118,480,242, plus strand): 5'-AATGTCAGAATCTACAATGGATGCCTTCCAAAGCCTACCTGCAGAAGCAAGCTAAAGGTA[G>C]TGTTGTTAAAAAGGTCTTCCCCCAAATGCTCCTTGCTTAAATGGTGTATAGTTGTATACA-3'